The following is an entry in ClinVar:

ClinVar aggregate classification (germline): Uncertain significance (1 of 4 stars; one submission).

Submission:

Labcorp Genetics (formerly Invitae), Labcorp
Classification: Uncertain significance. Last evaluated: 2024-07-09. Review status: criteria provided, single submitter. Criteria: Invitae Variant Classification Sherloc (09022015). Collection method: clinical testing. Allele origin: germline.
Comment: This sequence change replaces proline, which is neutral and non-polar, with serine, which is neutral and polar, at codon 87 of the MBD4 protein (p.Pro87Ser). This variant is not present in population databases (gnomAD no frequency). This variant has not been reported in the literature in individuals affected with MBD4-related conditions. An algorithm developed to predict the effect of missense changes on protein structure and function (PolyPhen-2) suggests that this variant is likely to be disruptive. In summary, the available evidence is currently insufficient to determine the role of this variant in disease. Therefore, it has been classified as a Variant of Uncertain Significance.

NM_001276270.2(MBD4):c.259C>T (p.Pro87Ser)

Gene: MBD4 (methyl-CpG binding domain 4, DNA glycosylase; minus strand). Cytogenetic location: 3q21.3.
Variant type: single nucleotide variant.
Coding change: c.259C>T on transcript NM_001276270.2 (MANE Select); coding-DNA position 259, C replaced by T.
Protein change: p.Pro87Ser; replaces proline 87 with serine.
Molecular consequence: missense variant. On other transcripts: intron variant (1).
Genome position (GRCh38, 1-based): chr3:129,437,796, G>A on the plus strand (C>T on the coding strand, the complement: MBD4 is on the minus strand). VCF-style: chr3-129437796-G-A. GRCh37 (hg19) VCF-style: chr3-129156639-G-A.
Other names: c.259C>T, p.Pro87Ser (NM_001276271.2, NM_001276272.2, NM_003925.3); c.247+12C>T (NM_001276273.2); short protein forms P87S.
Identifiers: ClinVar variation 3692859 (VCV003692859.2).